The following is an entry in ClinVar:

ClinVar aggregate classification (germline): Benign/Likely benign. Review status: criteria provided, multiple submitters, no conflicts (2 of 4 stars). 6 submissions from 6 submitters: Benign (2); Likely benign (2). 2 of the submissions do not count toward it. Last evaluated 2026-05-01.

Conditions:
DiGeorge syndrome. Also called: THIRD AND FOURTH PHARYNGEAL POUCH SYNDROME; Catch22. Identifiers: Orphanet 567, MedGen C0012236, MONDO:0008564, OMIM 188400.

Allele frequency attached by ClinVar (database versions not stated): gnomAD 0.00063 and 0.00092; TOPMed 0.00083; gnomAD exomes 0.00194; 1000 Genomes Project 30x 0.00250; 1000 Genomes Project 0.00300; ESP Exome Variant Server 0.00116; ExAC 0.00212.

Submissions (6):

CeGaT Center for Human Genetics Tuebingen
Classification: Benign. Last evaluated: 2026-05-01. Review status: criteria provided, single submitter. Criteria: CeGaT Center For Human Genetics Tuebingen Variant Classification Criteria Version 2. Collection method: clinical testing. Allele origin: germline. Affected: yes. Observed: 12 variant alleles.
Comment: TBX1: BS1, BS2

Labcorp Genetics (formerly Invitae), Labcorp
Classification: Benign for DiGeorge syndrome. Last evaluated: 2026-01-26. Review status: criteria provided, single submitter. Criteria: Invitae Variant Classification Sherloc (09022015). Collection method: clinical testing. Allele origin: germline.

GeneDx
Classification: Likely benign. Last evaluated: 2016-07-26. Review status: criteria provided, single submitter. Criteria: GeneDx Variant Classification (06012015). Collection method: clinical testing. Allele origin: germline. Affected: yes.
Comment: This variant is considered likely benign or benign based on one or more of the following criteria: it is a conservative change, it occurs at a poorly conserved position in the protein, it is predicted to be benign by multiple in silico algorithms, and/or has population frequency not consistent with disease.

Breakthrough Genomics
Classification: Likely benign. Review status: criteria provided, single submitter. Criteria: ACMG Guidelines, 2015. Collection method: not provided. Allele origin: germline. Inheritance: Autosomal dominant inheritance. Affected: yes.

Genome Diagnostics Laboratory, University Medical Center Utrecht
Classification: Likely benign. Review status: no assertion criteria provided. Collection method: clinical testing. Allele origin: germline. Affected: yes. Study: VKGL Data-share Consensus. Not counted in ClinVar's aggregate classification.

Joint Genome Diagnostic Labs from Nijmegen and Maastricht, Radboudumc and MUMC+
Classification: Likely benign. Review status: no assertion criteria provided. Collection method: clinical testing. Allele origin: germline. Affected: yes. Study: VKGL Data-share Consensus. Not counted in ClinVar's aggregate classification.

NM_080647.1(TBX1):c.-39C>T

Gene: TBX1 (T-box transcription factor 1; plus strand). Cytogenetic location: 22q11.21.
Variant type: single nucleotide variant.
Coding change: c.-39C>T on transcript NM_080647.1; 39 bases upstream of the start codon, C replaced by T.
Molecular consequence: 5 prime UTR variant.
Genome position (GRCh38, 1-based): chr22:19,759,605, C>T. VCF-style: chr22-19759605-C-T. GRCh37 (hg19) VCF-style: chr22-19747128-C-T.
Other names: c.-39C>T (NM_005992.1, NM_080646.2).
Identifiers: ClinVar variation 379734 (VCV000379734.38), dbSNP rs72646950, ClinGen allele CA10102356.